The following is an entry in ClinVar:

ClinVar aggregate classification (germline): Uncertain significance (1 of 4 stars; one submission).

Conditions:
Progressive myoclonic epilepsy type 7. Identifiers: Orphanet 435438, MedGen C4015420, MONDO:0014521, OMIM 616187.

Submission:

Baylor Genetics
Classification: Uncertain significance for Progressive myoclonic epilepsy type 7. Last evaluated: 2020-02-13. Review status: criteria provided, single submitter. Criteria: ACMG Guidelines, 2015. Collection method: clinical testing. Allele origin: unknown. Affected: yes.
Comment: This variant was determined to be of uncertain significance according to ACMG Guidelines, 2015 [PMID:25741868].

NM_001112741.2(KCNC1):c.215G>T (p.Arg72Leu)

Gene: KCNC1 (potassium voltage-gated channel subfamily C member 1; plus strand). Cytogenetic location: 11p15.1.
Variant type: single nucleotide variant.
Coding change: c.215G>T on transcript NM_001112741.2 (MANE Select); coding-DNA position 215, G replaced by T.
Protein change: p.Arg72Leu; replaces arginine 72 with leucine.
Molecular consequence: missense variant.
Genome position (GRCh38, 1-based): chr11:17,736,217, G>T. VCF-style: chr11-17736217-G-T. GRCh37 (hg19) VCF-style: chr11-17757764-G-T.
Other names: c.215G>T, p.Arg72Leu (NM_004976.4); short protein forms R72L.
Identifiers: ClinVar variation 1031095 (VCV001031095.1), dbSNP rs1848764021, ClinGen allele CA379799625.